The following is an entry in ClinVar:

NM_002074.5(GNB1):c.977C>G (p.Ala326Gly)

Gene: GNB1 (G protein subunit beta 1; minus strand). Cytogenetic location: 1p36.33.
Variant type: single nucleotide variant.
Coding change: c.977C>G on transcript NM_002074.5 (MANE Select); coding-DNA position 977, C replaced by G.
Protein change: p.Ala326Gly; replaces alanine 326 with glycine.
Molecular consequence: missense variant.
Genome position (GRCh38, 1-based): chr1:1,787,377, G>C on the plus strand (C>G on the coding strand, the complement: GNB1 is on the minus strand). VCF-style: chr1-1787377-G-C. GRCh37 (hg19) VCF-style: chr1-1718816-G-C.
Other names: c.677C>G, p.Ala226Gly (NM_001282538.2); c.977C>G, p.Ala326Gly (NM_001282539.2); short protein forms A326G, A226G.
Identifiers: ClinVar variation 2106126 (VCV002106126.4), dbSNP rs2522094024, ClinGen allele CA337902145.

ClinVar aggregate classification (germline): Uncertain significance (1 of 4 stars; one submission).

Submission:

Labcorp Genetics (formerly Invitae), Labcorp
Classification: Uncertain significance. Last evaluated: 2022-03-04. Review status: criteria provided, single submitter. Criteria: Invitae Variant Classification Sherloc (09022015). Collection method: clinical testing. Allele origin: germline.
Comment: This sequence change replaces alanine, which is neutral and non-polar, with glycine, which is neutral and non-polar, at codon 326 of the GNB1 protein (p.Ala326Gly). This variant is not present in population databases (gnomAD no frequency). This variant has not been reported in the literature in individuals affected with GNB1-related conditions. Algorithms developed to predict the effect of missense changes on protein structure and function are either unavailable or do not agree on the potential impact of this missense change (SIFT: "Tolerated"; PolyPhen-2: "Possibly Damaging"; Align-GVGD: "Class C0"). In summary, the available evidence is currently insufficient to determine the role of this variant in disease. Therefore, it has been classified as a Variant of Uncertain Significance.